The following is an entry in ClinVar:

NM_000393.5(COL5A2):c.1166C>T (p.Ala389Val)

Gene: COL5A2 (collagen type V alpha 2 chain; minus strand). Cytogenetic location: 2q32.2.
Variant type: single nucleotide variant.
Coding change: c.1166C>T on transcript NM_000393.5 (MANE Select); coding-DNA position 1166, C replaced by T.
Protein change: p.Ala389Val; replaces alanine 389 with valine.
Molecular consequence: missense variant.
Genome position (GRCh38, 1-based): chr2:189,068,877, G>A on the plus strand (C>T on the coding strand, the complement: COL5A2 is on the minus strand). VCF-style: chr2-189068877-G-A. GRCh37 (hg19) VCF-style: chr2-189933603-G-A.
Other names: short protein forms A389V.
Identifiers: ClinVar variation 4767094 (VCV004767094.1).
Genomic context (GRCh38, chr2:189,068,877, plus strand): 5'-GGCCCAGTTTCACCTCTCTGCCCCTGAGGACCTTCAGGGCCTCGCGCCCCTGTAGGACCT[G>A]CTTCTCCCTAAAAGGGTGCAAAGGGAAATGTTAATTTAAGAAAAATACGAGAGTGGCATT-3'
Protein context (NP_000384.2, residues 379-399): FPGNPGMKGE[Ala389Val]GPTGARGPEG

ClinVar aggregate classification (germline): Uncertain significance (1 of 4 stars; one submission).

Conditions:
Ehlers-Danlos syndrome, classic type, 1 (EDSCL1). Also called: EHLERS-DANLOS SYNDROME, GRAVIS TYPE; EHLERS-DANLOS SYNDROME, SEVERE CLASSIC TYPE; Ehlers-Danlos syndrome, type 1; Ehlers-Danlos Syndrome, Classic Type, COL5A1-Related; EDS I. Identifiers: MedGen C0268335, MONDO:0019567, OMIM 130000.

Submission:

Labcorp Genetics (formerly Invitae), Labcorp
Classification: Uncertain significance for Ehlers-Danlos syndrome, classic type, 1. Last evaluated: 2025-06-03. Review status: criteria provided, single submitter. Criteria: Invitae Variant Classification Sherloc (09022015). Collection method: clinical testing. Allele origin: germline.
Comment: This sequence change replaces alanine, which is neutral and non-polar, with valine, which is neutral and non-polar, at codon 389 of the COL5A2 protein (p.Ala389Val). This variant is not present in population databases (gnomAD no frequency). This variant has not been reported in the literature in individuals affected with COL5A2-related conditions. Invitae Evidence Modeling of protein sequence and biophysical properties (such as structural, functional, and spatial information, amino acid conservation, physicochemical variation, residue mobility, and thermodynamic stability) indicates that this missense variant is not expected to disrupt COL5A2 protein function with a negative predictive value of 80%. In summary, the available evidence is currently insufficient to determine the role of this variant in disease. Therefore, it has been classified as a Variant of Uncertain Significance.